The following is an entry in ClinVar:

NM_033380.3(COL4A5):c.1763_1779+3del

Gene: COL4A5 (collagen type IV alpha 5 chain; plus strand). Cytogenetic location: Xq22.3.
Variant type: Deletion.
Coding change: c.1763_1779+3del on transcript NM_033380.3 (MANE Select); coding-DNA position 1763 through 3 bases into the intron after coding-DNA position 1779, 20 bases deleted (GCCCGAAAGGAGAGCCTGTG).
Molecular consequence: splice donor variant.
Genome position (GRCh38, 1-based): chrX:108,597,552-108,597,571, GCCCGAAAGGAGAGCCTGTG deleted; deleting any 20 consecutive bases within chrX:108,597,550-108,597,571 gives the same sequence; the c. name uses the placement nearest the transcript's 3' end. VCF-style (leftmost placement, unchanged base first): chrX-108597549-CTGGCCCGAAAGGAGAGCCTG-C. GRCh37 (hg19) VCF-style: chrX-107840779-CTGGCCCGAAAGGAGAGCCTG-C.
Other names: c.1763_1779+3del (NM_000495.5).
Identifiers: ClinVar variation 988184 (VCV000988184.1), dbSNP rs2066542728, ClinGen allele CA2450688401.

ClinVar aggregate classification (germline): Pathogenic (0 of 4 stars; one submission).

Conditions:
Alport syndrome. Also called: Hemorrhagic familial nephritis; Hemorrhagic hereditary nephritis; Congenital hereditary hematuria. Identifiers: Orphanet 63, MedGen C1567741, MONDO:0018965.

Submission:

Sydney Genome Diagnostics, Children's Hospital Westmead
Classification: Pathogenic for Alport syndrome. Last evaluated: 2018-10-24. Review status: no assertion criteria provided. Collection method: clinical testing. Allele origin: unknown. Affected: yes. Observed: 1 variant allele, 1 hemizygote.
Comment: This frameshifting variant is predicted to create a premature stop codon 4 amnino acids downstream p.(Pro589Trpfs*5), and may result in a null allele due to nonsense-mediated mRNA decay. To our knowledge, this variant has not been previously reported. However, other nonsense mutations downstream have been reported in patients with X-linked Alport syndrome in the literature (Ma et al 2011 Nephrol Dial Transplant 26:4003-10). This variant is considered to be pathogenic.